The following is an entry in ClinVar:

NM_001190274.2(FBXO11):c.1395C>T (p.Gly465=)

Gene: FBXO11 (F-box protein 11; minus strand). Cytogenetic location: 2p16.3.
Variant type: single nucleotide variant.
Coding change: c.1395C>T on transcript NM_001190274.2 (MANE Select); coding-DNA position 1395, C replaced by T.
Protein change: p.Gly465=; no amino-acid change (glycine 465 retained).
Molecular consequence: synonymous variant.
Genome position (GRCh38, 1-based): chr2:47,832,352, G>A on the plus strand (C>T on the coding strand, the complement: FBXO11 is on the minus strand). VCF-style: chr2-47832352-G-A. GRCh37 (hg19) VCF-style: chr2-48059491-G-A.
Other names: c.1143C>T, p.Gly381= (NM_001374325.1, NM_025133.4).
Identifiers: ClinVar variation 2429523 (VCV002429523.3), dbSNP rs2531188401, ClinGen allele CA426009552.

ClinVar aggregate classification (germline): Uncertain significance. Review status: criteria provided, multiple submitters, no conflicts (2 of 4 stars). 2 submissions from 2 submitters: Uncertain significance (2). Last evaluated 2025-06-18.

Submissions (2):

Dasa
Classification: Uncertain significance. Last evaluated: 2025-06-18. Review status: criteria provided, single submitter. Criteria: DASA Assertion Criteria. Collection method: clinical testing. Allele origin: germline.
Comment: NM_001190274.2(FBXO11):c.1395C>T (p.Gly465=) is a synonymous variant predicted not to alter the encoded amino acid sequence. This variant is absent from population databases. Computational prediction algorithms are consistent with a deleterious effect. The currently available literature and clinical evidence are not sufficient to establish a definitive association between this variant and the reported condition. Therefore, this variant is classified as a variant of uncertain significance.

GeneDx
Classification: Uncertain significance. Last evaluated: 2022-08-10. Review status: criteria provided, single submitter. Criteria: GeneDx Variant Classification Process June 2021. Collection method: clinical testing. Allele origin: germline. Affected: yes.
Comment: Not observed at significant frequency in large population cohorts (gnomAD); In silico analysis supports a deleterious effect on splicing; Has not been previously published as pathogenic or benign to our knowledge